The following is an entry in ClinVar:

NM_001013838.3(CARMIL2):c.352G>T (p.Val118Phe)

Gene: CARMIL2 (capping protein regulator and myosin 1 linker 2; plus strand). Cytogenetic location: 16q22.1.
Variant type: single nucleotide variant.
Coding change: c.352G>T on transcript NM_001013838.3 (MANE Select); coding-DNA position 352, G replaced by T.
Protein change: p.Val118Phe; replaces valine 118 with phenylalanine.
Molecular consequence: missense variant.
Genome position (GRCh38, 1-based): chr16:67,646,288, G>T. VCF-style: chr16-67646288-G-T. GRCh37 (hg19) VCF-style: chr16-67680191-G-T.
Other names: c.352G>T, p.Val118Phe (NM_001317026.3); short protein forms V118F.
Identifiers: ClinVar variation 1376189 (VCV001376189.5), dbSNP rs1037552972, ClinGen allele CA283201153.

ClinVar aggregate classification (germline): Uncertain significance (1 of 4 stars; one submission).

Allele frequency attached by ClinVar (database versions not stated): gnomAD 0.00001; gnomAD exomes 0.00001; TOPMed 0.00002.

Submission:

Labcorp Genetics (formerly Invitae), Labcorp
Classification: Uncertain significance. Last evaluated: 2021-11-04. Review status: criteria provided, single submitter. Criteria: Invitae Variant Classification Sherloc (09022015). Collection method: clinical testing. Allele origin: germline.
Comment: In summary, the available evidence is currently insufficient to determine the role of this variant in disease. Therefore, it has been classified as a Variant of Uncertain Significance. Algorithms developed to predict the effect of missense changes on protein structure and function are either unavailable or do not agree on the potential impact of this missense change (SIFT: "Deleterious"; PolyPhen-2: "Possibly Damaging"; Align-GVGD: "Class C0"). This variant has not been reported in the literature in individuals affected with CARMIL2-related conditions. This variant is present in population databases (no rsID available, gnomAD 0.004%). This sequence change replaces valine, which is neutral and non-polar, with phenylalanine, which is neutral and non-polar, at codon 118 of the CARMIL2 protein (p.Val118Phe).